The following is an entry in ClinVar:

NM_001367624.2(ZNF469):c.9687C>G (p.Asn3229Lys)

Gene: ZNF469 (zinc finger protein 469; plus strand). Cytogenetic location: 16q24.2.
Variant type: single nucleotide variant.
Coding change: c.9687C>G on transcript NM_001367624.2 (MANE Select); coding-DNA position 9687, C replaced by G.
Protein change: p.Asn3229Lys; replaces asparagine 3229 with lysine.
Molecular consequence: missense variant.
Genome position (GRCh38, 1-based): chr16:88,437,157, C>G. VCF-style: chr16-88437157-C-G. GRCh37 (hg19) VCF-style: chr16-88503565-C-G.
Other names: NM_001127464.1:c.9603C>G; short protein forms N3229K.
Identifiers: ClinVar variation 3476287 (VCV003476287.1).

ClinVar aggregate classification (germline): Uncertain significance (1 of 4 stars; one submission).

Conditions:
Cardiovascular phenotype. Identifiers: MedGen CN230736.

gnomAD v4.1: 1 of 1,549,322 alleles (0.000065%); highest among the groups gnomAD compares: Non-Finnish European, 0.000087%; no homozygotes.

Submission:

Ambry Genetics
Classification: Uncertain significance for Cardiovascular phenotype. Last evaluated: 2024-12-05. Review status: criteria provided, single submitter. Criteria: Ambry Variant Classification Scheme 2023. Collection method: clinical testing. Allele origin: germline.
Comment: The p.N3201K variant (also known as c.9603C>G), located in coding exon 2 of the ZNF469 gene, results from a C to G substitution at nucleotide position 9603. The asparagine at codon 3201 is replaced by lysine, an amino acid with similar properties. This amino acid position is conserved. In addition, this alteration is predicted to be tolerated by in silico analysis. Based on the available evidence, the clinical significance of this variant remains unclear.